The following is an entry in ClinVar:

NM_001134771.2(SLC12A5):c.75G>A (p.Arg25=)

Genes: SLC12A5 (solute carrier family 12 member 5; plus strand), SLC12A5-AS1 (SLC12A5 and MMP9 antisense RNA 1; minus strand), LOC130065980 (ATAC-STARR-seq lymphoblastoid silent region 12971; plus strand). Cytogenetic location: 20q13.12.
Variant type: single nucleotide variant.
Coding change: c.75G>A on transcript NM_001134771.2; coding-DNA position 75, G replaced by A.
Protein change: p.Arg25=; no amino-acid change (arginine 25 retained).
Molecular consequence: synonymous variant. On other transcripts: non-coding transcript variant (1).
Genome position (GRCh38, 1-based): chr20:46,021,840, G>A. VCF-style: chr20-46021840-G-A. GRCh37 (hg19) VCF-style: chr20-44650479-G-A.
Identifiers: ClinVar variation 3239235 (VCV003239235.19), dbSNP rs749118252.

ClinVar aggregate classification (germline): Likely benign. Review status: criteria provided, multiple submitters, no conflicts (2 of 4 stars). 2 submissions from 2 submitters: Likely benign (2). Last evaluated 2024-11-07.

Allele frequency attached by ClinVar (database versions not stated): ExAC 0.00009; 1000 Genomes Project 30x 0.00047; gnomAD 0.00101.

Submissions (2):

Blueprint Genetics
Classification: Likely benign. Last evaluated: 2024-11-07. Review status: criteria provided, single submitter. Criteria: ACMG Guidelines, 2015. Collection method: clinical testing. Allele origin: germline.

CeGaT Center for Human Genetics Tuebingen
Classification: Likely benign. Last evaluated: 2024-05-01. Review status: criteria provided, single submitter. Criteria: CeGaT Center For Human Genetics Tuebingen Variant Classification Criteria Version 2. Collection method: clinical testing. Allele origin: germline. Affected: yes. Observed: 1 variant allele.
Comment: SLC12A5: BP4, BP7